The following is an entry in ClinVar:

NM_001035.3(RYR2):c.7936T>A (p.Trp2646Arg)

Gene: RYR2 (ryanodine receptor 2; plus strand). Cytogenetic location: 1q43.
Variant type: single nucleotide variant.
Coding change: c.7936T>A on transcript NM_001035.3 (MANE Select); coding-DNA position 7936, T replaced by A.
Protein change: p.Trp2646Arg; replaces tryptophan 2646 with arginine.
Molecular consequence: missense variant.
Genome position (GRCh38, 1-based): chr1:237,654,385, T>A. VCF-style: chr1-237654385-T-A. GRCh37 (hg19) VCF-style: chr1-237817685-T-A.
Other names: c.7936T>A (NM_001035.2); short protein forms W2646R.
Identifiers: ClinVar variation 1022777 (VCV001022777.9), dbSNP rs769118599, ClinGen allele CA087527.
Genomic context (GRCh38, chr1:237,654,385, plus strand): 5'-GGGTGGGGAAACTTTGGTGCTGCCTCAGAAGAAGAACTTCATTTATCAAGAAAGTTGTTC[T>A]GGGGCATTTTTGATGCCCTGTCTCAAAAGGTAATTTAATGGTTTGTGGGTTTGTTTGTAT-3'
Protein context (NP_001026.2, residues 2636-2656): EELHLSRKLF[Trp2646Arg]GIFDALSQKK

ClinVar aggregate classification (germline): Uncertain significance. Review status: criteria provided, multiple submitters, no conflicts (2 of 4 stars). 3 submissions from 3 submitters: Uncertain significance (3). Last evaluated 2024-07-29.

Conditions:
Catecholaminergic polymorphic ventricular tachycardia 1. Also called: RYR2-Related Catecholaminergic Polymorphic Ventricular Tachycardia; VENTRICULAR TACHYCARDIA, CATECHOLAMINERGIC POLYMORPHIC, 1, WITH OR WITHOUT ATRIAL DYSFUNCTION AND/OR DILATED CARDIOMYOPATHY; VENTRICULAR TACHYCARDIA, STRESS-INDUCED POLYMORPHIC 1. Identifiers: Orphanet 3286, MedGen C1631597, MONDO:0011484, OMIM 604772.
Catecholaminergic polymorphic ventricular tachycardia (CVPT). Also called: Catecholamine-induced polymorphic ventricular tachycardia. Identifiers: Orphanet 3286, MedGen C5574922, MONDO:0017990.

Allele frequency attached by ClinVar (database versions not stated): gnomAD exomes below 0.00001 and 0.00001; ExAC 0.00001; gnomAD 0.00001; TOPMed 0.00003.
gnomAD v4.1: 3 of 1,613,840 alleles (0.00019%); highest among the groups gnomAD compares: Admixed American, 0.005%; no homozygotes.

Submissions (3):

GeneDx
Classification: Uncertain significance. Last evaluated: 2024-07-29. Review status: criteria provided, single submitter. Criteria: GeneDx Variant Classification Process June 2021. Collection method: clinical testing. Allele origin: germline. Affected: yes.
Comment: Has not been previously published as pathogenic or benign to our knowledge; Not observed at significant frequency in large population cohorts (gnomAD); In silico analysis supports that this missense variant has a deleterious effect on protein structure/function; Not located in one of the three hot-spot regions of the RYR2 gene, where the majority of pathogenic missense variants occur (PMID: 19926015); This variant is associated with the following publications: (PMID: 19926015)

All of Us Research Program, National Institutes of Health
Classification: Uncertain significance for Catecholaminergic polymorphic ventricular tachycardia. Last evaluated: 2023-10-06. Review status: criteria provided, single submitter. Criteria: ACMG Guidelines, 2015. Collection method: clinical testing. Allele origin: germline. Inheritance: Autosomal dominant inheritance. Observed: 1 variant allele, 1 heterozygote.
Comment: This missense variant replaces tryptophan with arginine at codon 2646 of the RYR2 protein. Computational prediction suggests that this variant may have deleterious impact on protein structure and function (internally defined REVEL score threshold >= 0.7, PMID: 27666373). To our knowledge, functional studies have not been reported for this variant. This variant has not been reported in individuals affected with RYR2-related disorders in the literature. This variant has been identified in 3/249132 chromosomes in the general population by the Genome Aggregation Database (gnomAD). The available evidence is insufficient to determine the role of this variant in disease conclusively. Therefore, this variant is classified as a Variant of Uncertain Significance.

This study involves interpretation of variants in research participants for the purpose of population health screening. Participant phenotype was not available at the time of variant classification. Additional details can be found in publication PMID: 35346344, PMCID: PMC8962531

Labcorp Genetics (formerly Invitae), Labcorp
Classification: Uncertain significance for Catecholaminergic polymorphic ventricular tachycardia 1. Last evaluated: 2021-08-24. Review status: criteria provided, single submitter. Criteria: Invitae Variant Classification Sherloc (09022015). Collection method: clinical testing. Allele origin: germline.
Comment: This sequence change replaces tryptophan with arginine at codon 2646 of the RYR2 protein (p.Trp2646Arg). The tryptophan residue is highly conserved and there is a moderate physicochemical difference between tryptophan and arginine. This variant is present in population databases (rs769118599, ExAC 0.009%). This variant has not been reported in the literature in individuals affected with RYR2-related conditions. Algorithms developed to predict the effect of missense changes on protein structure and function (SIFT, PolyPhen-2, Align-GVGD) all suggest that this variant is likely to be disruptive. In summary, the available evidence is currently insufficient to determine the role of this variant in disease. Therefore, it has been classified as a Variant of Uncertain Significance.